The following is an entry in ClinVar:

ClinVar aggregate classification (germline): Uncertain significance (1 of 4 stars; one submission).

Submission:

Labcorp Genetics (formerly Invitae), Labcorp
Classification: Uncertain significance. Last evaluated: 2025-01-15. Review status: criteria provided, single submitter. Criteria: Invitae Variant Classification Sherloc (09022015). Collection method: clinical testing. Allele origin: germline.
Comment: This sequence change replaces glycine, which is neutral and non-polar, with arginine, which is basic and polar, at codon 2197 of the EYS protein (p.Gly2197Arg). This variant is not present in population databases (gnomAD no frequency). This variant has not been reported in the literature in individuals affected with EYS-related conditions. ClinVar contains an entry for this variant (Variation ID: 1713758). Invitae Evidence Modeling of protein sequence and biophysical properties (such as structural, functional, and spatial information, amino acid conservation, physicochemical variation, residue mobility, and thermodynamic stability) indicates that this missense variant is expected to disrupt EYS protein function with a positive predictive value of 80%. In summary, the available evidence is currently insufficient to determine the role of this variant in disease. Therefore, it has been classified as a Variant of Uncertain Significance.

NM_001142800.2(EYS):c.6589G>A (p.Gly2197Arg)

Gene: EYS (EGF-like photoreceptor maintenance factor; minus strand). Cytogenetic location: 6q12.
Variant type: single nucleotide variant.
Coding change: c.6589G>A on transcript NM_001142800.2 (MANE Select); coding-DNA position 6589, G replaced by A.
Protein change: p.Gly2197Arg; replaces glycine 2197 with arginine.
Molecular consequence: missense variant.
Genome position (GRCh38, 1-based): chr6:64,066,474, C>T on the plus strand (G>A on the coding strand, the complement: EYS is on the minus strand). VCF-style: chr6-64066474-C-T. GRCh37 (hg19) VCF-style: chr6-64776367-C-T.
Other names: c.6589G>A, p.Gly2197Arg (NM_001292009.2); short protein forms G2197R.
Identifiers: ClinVar variation 1713758 (VCV001713758.5), dbSNP rs2533552655, ClinGen allele CA364389949.